The following is an entry in ClinVar:

ClinVar aggregate classification (germline): Pathogenic (1 of 4 stars; one submission).

Submission:

GeneDx
Classification: Pathogenic. Last evaluated: 2024-10-25. Review status: criteria provided, single submitter. Criteria: GeneDx Variant Classification Process June 2021. Collection method: clinical testing. Allele origin: germline. Affected: yes.
Comment: Nonsense variant predicted to result in protein truncation or nonsense mediated decay in a gene for which loss of function is a known mechanism of disease; Not observed at significant frequency in large population cohorts (gnomAD); This variant is associated with the following publications: (PMID: 31602632)

NM_001355436.2(SPTB):c.2610G>A (p.Trp870Ter)

Gene: SPTB (spectrin beta, erythrocytic; minus strand). Cytogenetic location: 14q23.3.
Variant type: single nucleotide variant.
Coding change: c.2610G>A on transcript NM_001355436.2 (MANE Select); coding-DNA position 2610, G replaced by A.
Protein change: p.Trp870Ter; replaces tryptophan 870 with a stop codon.
Molecular consequence: nonsense.
Genome position (GRCh38, 1-based): chr14:64,793,053, C>T on the plus strand (G>A on the coding strand, the complement: SPTB is on the minus strand). VCF-style: chr14-64793053-C-T. GRCh37 (hg19) VCF-style: chr14-65259771-C-T.
Other names: NM_000347.5:c.2610G>A; c.2610G>A, p.Trp870Ter (NM_001024858.4, NM_001355437.2); short protein forms W870*.
Identifiers: ClinVar variation 3893321 (VCV003893321.1).